The following is an entry in ClinVar:

NM_213622.4(STAMBP):c.465G>T (p.Gln155His)

Gene: STAMBP (STAM binding protein; plus strand). Cytogenetic location: 2p13.1.
Variant type: single nucleotide variant.
Coding change: c.465G>T on transcript NM_213622.4 (MANE Select); coding-DNA position 465, G replaced by T.
Protein change: p.Gln155His; replaces glutamine 155 with histidine.
Molecular consequence: missense variant. On other transcripts: non-coding transcript variant (4).
Genome position (GRCh38, 1-based): chr2:73,847,476, G>T. VCF-style: chr2-73847476-G-T. GRCh37 (hg19) VCF-style: chr2-74074603-G-T.
Other names: c.465G>T, p.Gln155His (NM_001353967.2, NM_001353968.2, NM_001353969.2 and 3 more transcripts); c.60G>T, p.Gln20His (NM_001353971.2, NM_001353972.2, NM_001353973.2 and 3 more transcripts); short protein forms Q20H, Q155H.
Identifiers: ClinVar variation 722352 (VCV000722352.15), dbSNP rs116012954, ClinGen allele CA1717557.

ClinVar aggregate classification (germline): Likely benign. Review status: criteria provided, multiple submitters, no conflicts (2 of 4 stars). 3 submissions from 3 submitters: Likely benign (2). 1 of the submissions does not count toward it. Last evaluated 2025-06-03.

Conditions:
STAMBP-related disorder. Also called: STAMBP-related condition.

Allele frequency attached by ClinVar (database versions not stated): gnomAD exomes 0.00033; ExAC 0.00043; gnomAD 0.00121 and 0.00127; ESP Exome Variant Server 0.00123; 1000 Genomes Project 0.00140; TOPMed 0.00140; 1000 Genomes Project 30x 0.00141.

Submissions (3):

Labcorp Genetics (formerly Invitae), Labcorp
Classification: Likely benign. Last evaluated: 2025-06-03. Review status: criteria provided, single submitter. Criteria: Invitae Variant Classification Sherloc (09022015). Collection method: clinical testing. Allele origin: germline.

GeneDx
Classification: Likely benign. Last evaluated: 2021-05-07. Review status: criteria provided, single submitter. Criteria: GeneDx Variant Classification Process June 2021. Collection method: clinical testing. Allele origin: germline. Affected: yes.

PreventionGenetics, part of Exact Sciences
Classification: Likely benign for STAMBP-related condition. Last evaluated: 2022-04-19. Review status: no assertion criteria provided. Collection method: clinical testing. Allele origin: germline. Not counted in ClinVar's aggregate classification.
Comment: This variant is classified as likely benign based on ACMG/AMP sequence variant interpretation guidelines (Richards et al. 2015 PMID: 25741868, with internal and published modifications).